The following is an entry in ClinVar:

NM_001267550.2(TTN):c.105077A>G (p.Tyr35026Cys)

Genes: TTN-AS1 (TTN antisense RNA 1; plus strand), TTN (titin; minus strand). Cytogenetic location: 2q31.2.
Variant type: single nucleotide variant.
Coding change: c.105077A>G on transcript NM_001267550.2 (MANE Select); coding-DNA position 105077, A replaced by G.
Protein change: p.Tyr35026Cys; replaces tyrosine 35026 with cysteine.
Molecular consequence: missense variant.
Genome position (GRCh38, 1-based): chr2:178,531,538, T>C on the plus strand (A>G on the coding strand, the complement: TTN is on the minus strand). VCF-style: chr2-178531538-T-C. GRCh37 (hg19) VCF-style: chr2-179396265-T-C.
Other names: c.100154A>G, p.Tyr33385Cys (NM_001256850.1); c.77882A>G, p.Tyr25961Cys (NM_003319.4); c.97373A>G, p.Tyr32458Cys (NM_133378.4); c.78257A>G, p.Tyr26086Cys (NM_133432.3); c.78458A>G, p.Tyr26153Cys (NM_133437.4); short protein forms Y25961C, Y32458C, Y26086C, Y26153C, Y33385C, Y35026C.
Identifiers: ClinVar variation 2937047 (VCV002937047.2), dbSNP rs757648598, ClinGen allele CA1985315.

ClinVar aggregate classification (germline): Uncertain significance (1 of 4 stars; one submission).

Conditions:
Dilated cardiomyopathy 1G (CMD1G). Identifiers: Orphanet 154, MedGen C1858763, MONDO:0011400, OMIM 604145.
Autosomal recessive limb-girdle muscular dystrophy type 2J (LGMDR10). Also called: Limb-girdle muscular dystrophy, type 2J; MUSCULAR DYSTROPHY, LIMB-GIRDLE, AUTOSOMAL RECESSIVE 10. Identifiers: Orphanet 140922, MedGen C1837342, MONDO:0012127, OMIM 608807.

Allele frequency attached by ClinVar (database versions not stated): ExAC 0.00001; gnomAD 0.00001; gnomAD exomes 0.00001; TOPMed 0.00001.
gnomAD v4.1: 12 of 1,613,842 alleles (0.00074%); highest among the groups gnomAD compares: Non-Finnish European, 0.001%; no homozygotes.

Submission:

Labcorp Genetics (formerly Invitae), Labcorp
Classification: Uncertain significance for Dilated cardiomyopathy 1G; Autosomal recessive limb-girdle muscular dystrophy type 2J. Last evaluated: 2024-10-30. Review status: criteria provided, single submitter. Criteria: Invitae Variant Classification Sherloc (09022015). Collection method: clinical testing. Allele origin: germline.
Comment: This sequence change replaces tyrosine, which is neutral and polar, with cysteine, which is neutral and slightly polar, at codon 35026 of the TTN protein (p.Tyr35026Cys). This variant is present in population databases (rs757648598, gnomAD 0.0009%). This variant has not been reported in the literature in individuals affected with TTN-related conditions. ClinVar contains an entry for this variant (Variation ID: 2937047). Experimental studies and prediction algorithms are not available or were not evaluated, and the functional significance of this variant is currently unknown. This variant is located in the M band of TTN (PMID: 25589632). Non-truncating variants in this region may be relevant for neuromuscular disorders, but have not been definitively shown to cause cardiomyopathy (PMID: 23975875). In summary, the available evidence is currently insufficient to determine the role of this variant in disease. Therefore, it has been classified as a Variant of Uncertain Significance.

Literature cited by the submitters: PubMed 25589632; PubMed 23975875.